The following is an entry in ClinVar:

ClinVar aggregate classification (germline): Likely benign. Review status: criteria provided, single submitter (1 of 4 stars). 2 submissions from 2 submitters: Likely benign (1). 1 of the submissions does not count toward it. Last evaluated 2024-02-06.

Conditions:
MCM4-related disorder. Also called: MCM4-related condition.

Allele frequency attached by ClinVar (database versions not stated): gnomAD exomes below 0.00001.
gnomAD v4.1: 6 of 1,614,080 alleles (0.00037%); highest among the groups gnomAD compares: East Asian, 0.0022%; no homozygotes.

Submissions (2):

Labcorp Genetics (formerly Invitae), Labcorp
Classification: Likely benign. Last evaluated: 2024-02-06. Review status: criteria provided, single submitter. Criteria: Invitae Variant Classification Sherloc (09022015). Collection method: clinical testing. Allele origin: germline.

PreventionGenetics, part of Exact Sciences
Classification: Likely benign for MCM4-related condition. Last evaluated: 2019-05-23. Review status: no assertion criteria provided. Collection method: clinical testing. Allele origin: germline. Not counted in ClinVar's aggregate classification.
Comment: This variant is classified as likely benign based on ACMG/AMP sequence variant interpretation guidelines (Richards et al. 2015 PMID: 25741868, with internal and published modifications).

NM_182746.3(MCM4):c.1080C>T (p.Asp360=)

Gene: MCM4 (minichromosome maintenance complex component 4; plus strand). Cytogenetic location: 8q11.21.
Variant type: single nucleotide variant.
Coding change: c.1080C>T on transcript NM_182746.3 (MANE Select); coding-DNA position 1080, C replaced by T.
Protein change: p.Asp360=; no amino-acid change (aspartic acid 360 retained).
Molecular consequence: synonymous variant.
Genome position (GRCh38, 1-based): chr8:47,967,391, C>T. VCF-style: chr8-47967391-C-T. GRCh37 (hg19) VCF-style: chr8-48879951-C-T.
Other names: c.1080C>T, p.Asp360= (NM_005914.4); c.1080C>T (NM_005914.3).
Identifiers: ClinVar variation 1897596 (VCV001897596.7), dbSNP rs918483515, ClinGen allele CA176156382.